The following is an entry in ClinVar:

ClinVar aggregate classification (germline): Uncertain significance. Review status: criteria provided, multiple submitters, no conflicts (2 of 4 stars). 3 submissions from 3 submitters: Uncertain significance (3). Last evaluated 2025-10-19.

Conditions:
Hereditary cancer-predisposing syndrome. Also called: Neoplastic Syndromes, Hereditary; Tumor predisposition; Hereditary neoplastic syndrome; Hereditary Cancer Syndrome. Identifiers: Orphanet 140162, MedGen C0027672, MeSH D009386, MONDO:0015356.
Malignant neoplasm of nervous system. Also called: Nervous system cancer. Identifiers: MedGen C0497549, MONDO:0005872.

Allele frequency attached by ClinVar (database versions not stated): gnomAD exomes below 0.00001; TOPMed below 0.00001.
gnomAD v4.1: 3 of 1,614,010 alleles (0.00019%); highest among the groups gnomAD compares: South Asian, 0.0011%; no homozygotes.

Submissions (3):

Ambry Genetics
Classification: Uncertain significance for Hereditary cancer-predisposing syndrome. Last evaluated: 2025-10-19. Review status: criteria provided, single submitter. Criteria: Ambry Variant Classification Scheme 2023. Collection method: clinical testing. Allele origin: germline.
Comment: The p.A145T variant (also known as c.433G>A), located in coding exon 4 of the NF2 gene, results from a G to A substitution at nucleotide position 433. The alanine at codon 145 is replaced by threonine, an amino acid with similar properties. This amino acid position is highly conserved in available vertebrate species. In addition, this alteration is predicted to be deleterious by in silico analysis. Since supporting evidence is limited at this time, the clinical significance of this alteration remains unclear.

GeneDx
Classification: Uncertain significance. Last evaluated: 2025-04-08. Review status: criteria provided, single submitter. Criteria: GeneDx Variant Classification Process June 2021. Collection method: clinical testing. Allele origin: germline. Affected: yes.
Comment: In silico analysis supports that this missense variant has a deleterious effect on protein structure/function; Has not been previously published as pathogenic or benign to our knowledge; This variant is associated with the following publications: (PMID: 11756419, 16324214)

Cambridge Genomics Laboratory, East Genomic Laboratory Hub, NHS Genomic Medicine Service
Classification: Uncertain significance for Neoplasm of the nervous system. Last evaluated: 2020-05-26. Review status: criteria provided, single submitter. Criteria: ACGS Best Practice Guidelines for Variant Classification in Rare Disease 2020. Collection method: clinical testing. Allele origin: germline. Affected: yes. Observed: 1 variant allele.

NM_000268.4(NF2):c.433G>A (p.Ala145Thr)

Gene: NF2 (NF2, moesin-ezrin-radixin like (MERLIN) tumor suppressor; plus strand). Cytogenetic location: 22q12.2.
Variant type: single nucleotide variant.
Coding change: c.433G>A on transcript NM_000268.4 (MANE Select); coding-DNA position 433, G replaced by A.
Protein change: p.Ala145Thr; replaces alanine 145 with threonine.
Molecular consequence: missense variant. On other transcripts: non-coding transcript variant (1).
Genome position (GRCh38, 1-based): chr22:29,642,271, G>A. VCF-style: chr22-29642271-G-A. GRCh37 (hg19) VCF-style: chr22-30038260-G-A.
Other names: c.433G>A, p.Ala145Thr (NM_016418.5, NM_181825.3, NM_181832.3 and 1 more transcripts); c.307G>A, p.Ala103Thr (NM_181828.3); c.310G>A, p.Ala104Thr (NM_181829.3); c.184G>A, p.Ala62Thr (NM_181830.3, NM_181831.3); short protein forms A104T, A145T, A103T, A62T.
Identifiers: ClinVar variation 824807 (VCV000824807.7), dbSNP rs1185977513, ClinGen allele CA411153863.